The following is an entry in ClinVar:

ClinVar aggregate classification (germline): Benign. Review status: reviewed by expert panel (3 of 4 stars). 6 submissions from 6 submitters: Benign (1). 5 of the submissions do not count toward it. Last evaluated 2025-02-11.

Conditions:
Nonarteritic anterior ischemic optic neuropathy, susceptibility to (NAION). Also called: NAION, SUSCEPTIBILITY TO; OPTIC NEUROPATHY, ANTERIOR ISCHEMIC, SUSCEPTIBILITY TO. Identifiers: MedGen C1847711, MONDO:0009789, OMIM 258660.
Pseudo von Willebrand disease (VWDP). Also called: Platelet-type von Willebrand disease; BLEEDING DISORDER, PLATELET-TYPE, 3. Identifiers: Orphanet 52530, MedGen C1280798, MONDO:0008332, OMIM 177820.
Bernard-Soulier syndrome, type A2, autosomal dominant (BSSA2). Also called: Bernard-Soulier syndrome, type A2 (dominant). Identifiers: Orphanet 274, MedGen C3277076, MONDO:0007930, OMIM 153670.
Bernard Soulier syndrome (BSS). Also called: GLYCOPROTEIN Ib, PLATELET, DEFICIENCY OF; PLATELET GLYCOPROTEIN Ib DEFICIENCY; BLEEDING DISORDER, PLATELET-TYPE, 1; VON WILLEBRAND FACTOR RECEPTOR DEFICIENCY; Giant platelet syndrome; Hemorrhagiparous thrombocytic dystrophy. Identifiers: Orphanet 274, MedGen C0005129, MeSH D001606, MONDO:0009276, OMIM 231200.

Allele frequency attached by ClinVar (database versions not stated): gnomAD exomes 0.00060 and 0.00155; ExAC 0.00173; gnomAD 0.00488 and 0.00526; ESP Exome Variant Server 0.00535; TOPMed 0.00594; 1000 Genomes Project 0.00659; 1000 Genomes Project 30x 0.00734.

Submissions (6):

ClinGen Platelet Disorders Variant Curation Expert Panel, ClinGen
Classification: Benign for Bernard Soulier syndrome. Last evaluated: 2025-02-11. Review status: reviewed by expert panel. Criteria: ClinGen Platelet ACMG Specifications GP1BA V1.0.0. Collection method: curation. Allele origin: germline. Inheritance: Autosomal recessive inheritance.
Comment: The NM_000173.7(GP1BA):c.106A>G (p.Arg36Gly) missense variant occurs at a frequency too high for disease; the Grpmax filtering allele frequency in gnomAD v4.1 is 0.01679 (based on 1319/75016 alleles) in the African/African American population, which is higher than the ClinGen PD VCEP threshold (>0.001; BA1). Therefore this variant is classified as Benign for autosomal recessive Bernard-Soulier syndrome based on the ACMG/AMP criteria applied, as specified by the ClinGen PD VCEP (specifications version 1).

CeGaT Center for Human Genetics Tuebingen
Classification: Likely benign. Last evaluated: 2026-02-01. Review status: criteria provided, single submitter. Criteria: CeGaT Center For Human Genetics Tuebingen Variant Classification Criteria Version 2. Collection method: clinical testing. Allele origin: germline. Affected: yes. Observed: 4 variant alleles. Not counted in ClinVar's aggregate classification.
Comment: GP1BA: BS1

Mayo Clinic Laboratories, Mayo Clinic
Classification: Benign. Last evaluated: 2024-03-28. Review status: criteria provided, single submitter. Criteria: ACMG Guidelines, 2015. Collection method: clinical testing. Allele origin: germline. Observed: 4 variant alleles. Not counted in ClinVar's aggregate classification.
Comment: BS1, BS2

Fulgent Genetics
Classification: Benign for Bernard-Soulier syndrome, type A2, autosomal dominant; Pseudo von Willebrand disease; Bernard Soulier syndrome; Nonarteritic anterior ischemic optic neuropathy, susceptibility to. Last evaluated: 2022-04-26. Review status: criteria provided, single submitter. Criteria: ACMG Guidelines, 2015. Collection method: clinical testing. Allele origin: unknown. Not counted in ClinVar's aggregate classification.

Genetic Services Laboratory, University of Chicago
Classification: Benign. Last evaluated: 2017-09-20. Review status: criteria provided, single submitter. Criteria: ACMG Guidelines, 2015. Collection method: clinical testing. Allele origin: germline. Affected: no. Not counted in ClinVar's aggregate classification.

PreventionGenetics, part of Exact Sciences
Classification: Likely benign. Review status: criteria provided, single submitter. Criteria: ACMG Guidelines, 2015. Collection method: clinical testing. Allele origin: germline. Not counted in ClinVar's aggregate classification.

Literature cited by the submitters: PubMed 24934643 (cited by Mayo Clinic Laboratories, Mayo Clinic).

NM_000173.7(GP1BA):c.106A>G (p.Arg36Gly)

Gene: GP1BA (glycoprotein Ib platelet subunit alpha; plus strand). Cytogenetic location: 17p13.2.
Variant type: single nucleotide variant.
Coding change: c.106A>G on transcript NM_000173.7 (MANE Select); coding-DNA position 106, A replaced by G.
Protein change: p.Arg36Gly; replaces arginine 36 with glycine.
Molecular consequence: missense variant.
Genome position (GRCh38, 1-based): chr17:4,932,710, A>G. VCF-style: chr17-4932710-A-G. GRCh37 (hg19) VCF-style: chr17-4836005-A-G.
Other names: NM_000173.7(GP1BA):c.106A>G; p.Arg36Gly; short protein forms R36G.
Identifiers: ClinVar variation 255462 (VCV000255462.33), dbSNP rs111292798, ClinGen allele CA8314695.